The following is an entry in ClinVar:

ClinVar aggregate classification (germline): Conflicting classifications of pathogenicity. Review status: criteria provided, conflicting classifications (1 of 4 stars). 5 submissions from 4 submitters: Uncertain significance (2); Likely benign (3). Last evaluated 2024-05-15.

Conditions:
Mitochondrial complex I deficiency, nuclear type 1. Also called: NADH-COENZYME Q REDUCTASE DEFICIENCY; MITOCHONDRIAL NADH DEHYDROGENASE COMPONENT OF COMPLEX I, DEFICIENCY OF. Identifiers: MedGen C6022305, MONDO:0100224, OMIM 252010.
Leigh syndrome (NULS). Also called: Subacute necrotizing encephalopathy; Necrotizing encephalopathy infantile subacute of Leigh; Leigh Disease; LEIGH SYNDROME, NUCLEAR; Leigh's syndrome; Leigh Syndrome (mtDNA deletion). Identifiers: Orphanet 506, MedGen C2931891, MONDO:0009723, OMIM 256000.

Allele frequency attached by ClinVar (database versions not stated): gnomAD exomes 0.00004 and 0.00010; ExAC 0.00014; gnomAD 0.00039; TOPMed 0.00041; ESP Exome Variant Server 0.00054; 1000 Genomes Project 30x 0.00062; 1000 Genomes Project 0.00080.
gnomAD v4.1: 115 of 1,614,164 alleles (0.0071%); highest among the groups gnomAD compares: African/African-American, 0.14%; no homozygotes.

Submissions (5):

Labcorp Genetics (formerly Invitae), Labcorp
Classification: Likely benign. Last evaluated: 2024-05-15. Review status: criteria provided, single submitter. Criteria: Invitae Variant Classification Sherloc (09022015). Collection method: clinical testing. Allele origin: germline.

Blueprint Genetics
Classification: Likely benign. Last evaluated: 2024-04-15. Review status: criteria provided, single submitter. Criteria: ACMG Guidelines, 2015. Collection method: clinical testing. Allele origin: germline.

Illumina Laboratory Services, Illumina
Classification: Uncertain significance for Leigh syndrome. Last evaluated: 2018-01-13. Review status: criteria provided, single submitter. Criteria: ICSL Variant Classification Criteria 13 December 2019. Collection method: clinical testing. Allele origin: germline.

Illumina Laboratory Services, Illumina
Classification: Uncertain significance for Mitochondrial complex I deficiency, nuclear type 1. Last evaluated: 2018-01-13. Review status: criteria provided, single submitter. Criteria: ICSL Variant Classification Criteria 13 December 2019. Collection method: clinical testing. Allele origin: germline.

GeneDx
Classification: Likely benign. Last evaluated: 2015-10-21. Review status: criteria provided, single submitter. Criteria: GeneDx Variant Classification (06012015). Collection method: clinical testing. Allele origin: germline. Affected: yes.
Comment: This variant is considered likely benign or benign based on one or more of the following criteria: it is a conservative change, it occurs at a poorly conserved position in the protein, it is predicted to be benign by multiple in silico algorithms, and/or has population frequency not consistent with disease.

NM_007103.4(NDUFV1):c.155+12C>T

Gene: NDUFV1 (NADH:ubiquinone oxidoreductase core subunit V1; plus strand). Cytogenetic location: 11q13.2.
Variant type: single nucleotide variant.
Coding change: c.155+12C>T on transcript NM_007103.4 (MANE Select); 12 bases into the intron after coding-DNA position 155, C replaced by T.
Molecular consequence: intron variant.
Genome position (GRCh38, 1-based): chr11:67,608,490, C>T. VCF-style: chr11-67608490-C-T. GRCh37 (hg19) VCF-style: chr11-67375961-C-T.
Other names: c.128+12C>T (NM_001166102.2).
Identifiers: ClinVar variation 380989 (VCV000380989.13), dbSNP rs199963966, ClinGen allele CA6143092.